The following is an entry in ClinVar:

NM_015178.3(RHOBTB2):c.1461C>A (p.Thr487=)

Gene: RHOBTB2 (Rho related BTB domain containing 2; plus strand). Cytogenetic location: 8p21.3.
Variant type: single nucleotide variant.
Coding change: c.1461C>A on transcript NM_015178.3 (MANE Select); coding-DNA position 1461, C replaced by A.
Protein change: p.Thr487=; no amino-acid change (threonine 487 retained).
Molecular consequence: synonymous variant.
Genome position (GRCh38, 1-based): chr8:23,007,706, C>A. VCF-style: chr8-23007706-C-A. GRCh37 (hg19) VCF-style: chr8-22865219-C-A.
Other names: c.1527C>A, p.Thr509= (NM_001160036.2); c.1482C>A, p.Thr494= (NM_001160037.2); c.1461C>A, p.Thr487= (NM_001374791.1).
Identifiers: ClinVar variation 2956943 (VCV002956943.5), dbSNP rs969989376, ClinGen allele CA173877718.

ClinVar aggregate classification (germline): Likely benign. Review status: criteria provided, multiple submitters, no conflicts (2 of 4 stars). 2 submissions from 2 submitters: Likely benign (2). Last evaluated 2026-05-01.

Allele frequency attached by ClinVar (database versions not stated): TOPMed 0.00002.
gnomAD v4.1: 8 of 1,614,172 alleles (0.0005%); highest among the groups gnomAD compares: Admixed American, 0.0017%; no homozygotes.

Submissions (2):

CeGaT Center for Human Genetics Tuebingen
Classification: Likely benign. Last evaluated: 2026-05-01. Review status: criteria provided, single submitter. Criteria: CeGaT Center For Human Genetics Tuebingen Variant Classification Criteria Version 2. Collection method: clinical testing. Allele origin: germline. Affected: yes. Observed: 1 variant allele.
Comment: RHOBTB2: BP4, BP7

Labcorp Genetics (formerly Invitae), Labcorp
Classification: Likely benign. Last evaluated: 2024-08-08. Review status: criteria provided, single submitter. Criteria: Invitae Variant Classification Sherloc (09022015). Collection method: clinical testing. Allele origin: germline.